The following is an entry in ClinVar:

NM_003014.4(SFRP4):c.914C>T (p.Ala305Val)

Gene: SFRP4 (secreted frizzled related protein 4; minus strand). Cytogenetic location: 7p14.1.
Variant type: single nucleotide variant.
Coding change: c.914C>T on transcript NM_003014.4 (MANE Select); coding-DNA position 914, C replaced by T.
Protein change: p.Ala305Val; replaces alanine 305 with valine.
Molecular consequence: missense variant.
Genome position (GRCh38, 1-based): chr7:37,907,606, G>A on the plus strand (C>T on the coding strand, the complement: SFRP4 is on the minus strand). VCF-style: chr7-37907606-G-A. GRCh37 (hg19) VCF-style: chr7-37947208-G-A.
Other names: c.914C>T (NM_003014.3); short protein forms A305V.
Identifiers: ClinVar variation 2420412 (VCV002420412.7), dbSNP rs774036745, ClinGen allele CA4222684.

ClinVar aggregate classification (germline): Uncertain significance. Review status: criteria provided, multiple submitters, no conflicts (2 of 4 stars). 2 submissions from 2 submitters: Uncertain significance (2). Last evaluated 2025-10-14.

Conditions:
Inborn genetic diseases. Identifiers: MedGen C0950123, MeSH D030342.

Allele frequency attached by ClinVar (database versions not stated): gnomAD 0.00001; ExAC 0.00002; gnomAD exomes 0.00002; TOPMed 0.00003.
gnomAD v4.1: 27 of 1,613,610 alleles (0.0017%); highest among the groups gnomAD compares: Non-Finnish European, 0.0022%; no homozygotes.

Submissions (2):

Ambry Genetics
Classification: Uncertain significance for Inborn genetic diseases. Last evaluated: 2025-10-14. Review status: criteria provided, single submitter. Criteria: Ambry Variant Classification Scheme 2023. Collection method: clinical testing. Allele origin: germline.

Labcorp Genetics (formerly Invitae), Labcorp
Classification: Uncertain significance. Last evaluated: 2023-08-04. Review status: criteria provided, single submitter. Criteria: Invitae Variant Classification Sherloc (09022015). Collection method: clinical testing. Allele origin: germline.
Comment: An algorithm developed to predict the effect of missense changes on protein structure and function (PolyPhen-2) suggests that this variant is likely to be tolerated. ClinVar contains an entry for this variant (Variation ID: 2420412). This variant has not been reported in the literature in individuals affected with SFRP4-related conditions. This variant is present in population databases (rs774036745, gnomAD 0.004%). This sequence change replaces alanine, which is neutral and non-polar, with valine, which is neutral and non-polar, at codon 305 of the SFRP4 protein (p.Ala305Val). In summary, the available evidence is currently insufficient to determine the role of this variant in disease. Therefore, it has been classified as a Variant of Uncertain Significance.